The following is an entry in ClinVar:

ClinVar aggregate classification (germline): Conflicting classifications of pathogenicity. Review status: criteria provided, conflicting classifications (1 of 4 stars). 4 submissions from 4 submitters: Uncertain significance (1); Benign (1); Likely benign (2). Last evaluated 2025-11-16.

Conditions:
Mitochondrial DNA depletion syndrome, encephalomyopathic form with methylmalonic aciduria (MTDPS5). Also called: Mitochondrial encephalomyopathy aminoacidopathy; MITOCHONDRIAL DNA DEPLETION SYNDROME, ENCEPHALOMYOPATHIC FORM, WITH OR WITHOUT METHYLMALONIC ACIDURIA, AUTOSOMAL RECESSIVE, SUCLA2-RELATED; Mitochondrial DNA depletion syndrome 5 (encephalomyopathic with or without methylmalonic aciduria); SUCLA2-Related Mitochondrial DNA Depletion Syndrome, Encephalomyopathic Form with Methylmalonic Aciduria. Identifiers: Orphanet 1933, MedGen C5980207, MONDO:0012791, OMIM 612073.

Allele frequency attached by ClinVar (database versions not stated): ESP Exome Variant Server 0.00015; gnomAD 0.00017 and 0.00019; ExAC 0.00019; TOPMed 0.00022; gnomAD exomes 0.00024.
gnomAD v4.1: 280 of 1,608,870 alleles (0.017%); highest among the groups gnomAD compares: Middle Eastern, 0.13%; no homozygotes.

Submissions (4):

Labcorp Genetics (formerly Invitae), Labcorp
Classification: Likely benign for Mitochondrial DNA depletion syndrome, encephalomyopathic form with methylmalonic aciduria. Last evaluated: 2025-11-16. Review status: criteria provided, single submitter. Criteria: Invitae Variant Classification Sherloc (09022015). Collection method: clinical testing. Allele origin: germline.

Blueprint Genetics
Classification: Likely benign. Last evaluated: 2024-09-20. Review status: criteria provided, single submitter. Criteria: ACMG Guidelines, 2015. Collection method: clinical testing. Allele origin: germline.

Illumina Laboratory Services, Illumina
Classification: Uncertain significance for Mitochondrial DNA depletion syndrome, encephalomyopathic form with methylmalonic aciduria. Last evaluated: 2018-01-13. Review status: criteria provided, single submitter. Criteria: ICSL Variant Classification Criteria 13 December 2019. Collection method: clinical testing. Allele origin: germline.

GeneDx
Classification: Benign. Last evaluated: 2014-07-16. Review status: criteria provided, single submitter. Criteria: GeneDx Variant Classification (06012015). Collection method: clinical testing. Allele origin: germline. Affected: yes.
Comment: This variant is considered likely benign or benign based on one or more of the following criteria: it is a conservative change, it occurs at a poorly conserved position in the protein, it is predicted to be benign by multiple in silico algorithms, and/or has population frequency not consistent with disease.

NM_003850.3(SUCLA2):c.272-13G>C

Gene: SUCLA2 (succinate-CoA ligase ADP-forming subunit beta; minus strand). Cytogenetic location: 13q14.2.
Variant type: single nucleotide variant.
Coding change: c.272-13G>C on transcript NM_003850.3 (MANE Select); 13 bases into the intron before coding-DNA position 272, G replaced by C.
Molecular consequence: intron variant.
Genome position (GRCh38, 1-based): chr13:47,988,994, C>G on the plus strand (G>C on the coding strand, the complement: SUCLA2 is on the minus strand). VCF-style: chr13-47988994-C-G. GRCh37 (hg19) VCF-style: chr13-48563129-C-G.
Identifiers: ClinVar variation 203945 (VCV000203945.13), dbSNP rs367890526, ClinGen allele CA312999.